The following is an entry in ClinVar:

NM_004281.4(BAG3):c.187C>G (p.Pro63Ala)

Gene: BAG3 (BAG cochaperone 3; plus strand). Cytogenetic location: 10q26.11.
Variant type: single nucleotide variant.
Coding change: c.187C>G on transcript NM_004281.4 (MANE Select); coding-DNA position 187, C replaced by G.
Protein change: p.Pro63Ala; replaces proline 63 with alanine.
Molecular consequence: missense variant.
Genome position (GRCh38, 1-based): chr10:119,669,857, C>G. VCF-style: chr10-119669857-C-G. GRCh37 (hg19) VCF-style: chr10-121429369-C-G.
Other names: short protein forms P63A.
Identifiers: ClinVar variation 178006 (VCV000178006.42), dbSNP rs144041999, ClinGen allele CA181162.

ClinVar aggregate classification (germline): Benign/Likely benign. Review status: criteria provided, multiple submitters, no conflicts (2 of 4 stars). 18 submissions from 18 submitters: Benign (11); Likely benign (3). 4 of the submissions do not count toward it. Last evaluated 2026-09-01.

Conditions:
Cardiovascular phenotype. Identifiers: MedGen CN230736.
Dilated cardiomyopathy 1HH (CMD1HH). Identifiers: Orphanet 154, MedGen C3151293, MONDO:0013479, OMIM 613881.
Myofibrillar myopathy 6. Identifiers: Orphanet 199340, MedGen C2751831, MONDO:0013061, OMIM 612954.
Atrial fibrillation. Identifiers: MedGen C0004238, MONDO:0004981, HP:0005110.
Cardiomyopathy (CMYO). Also called: Cardiomyopathies. Identifiers: Orphanet 167848, MedGen C0878544, MONDO:0004994, HP:0001638. Inheritance: Various modes of inheritance.

Allele frequency attached by ClinVar (database versions not stated): gnomAD exomes 0.00136; ExAC 0.00157; gnomAD 0.00311 and 0.00328; TOPMed 0.00343; ESP Exome Variant Server 0.00377; 1000 Genomes Project 0.00499; 1000 Genomes Project 30x 0.00515.

Submissions (18):

CeGaT Center for Human Genetics Tuebingen
Classification: Likely benign. Last evaluated: 2026-09-01. Review status: criteria provided, single submitter. Criteria: CeGaT Center For Human Genetics Tuebingen Variant Classification Criteria Version 2. Collection method: clinical testing. Allele origin: germline. Affected: yes. Observed: 2 variant alleles.
Comment: BAG3: BP4, BS1

Labcorp Genetics (formerly Invitae), Labcorp
Classification: Benign for Dilated cardiomyopathy 1HH; Myofibrillar myopathy 6. Last evaluated: 2026-02-02. Review status: criteria provided, single submitter. Criteria: Invitae Variant Classification Sherloc (09022015). Collection method: clinical testing. Allele origin: germline.

Molecular Diagnostic Laboratory for Inherited Cardiovascular Disease, Montreal Heart Institute
Classification: Likely benign. Last evaluated: 2025-04-09. Review status: criteria provided, single submitter. Criteria: ACMG Guidelines, 2015. Collection method: clinical testing. Allele origin: germline. Affected: no.

Blueprint Genetics
Classification: Likely benign. Last evaluated: 2024-10-31. Review status: criteria provided, single submitter. Criteria: ACMG Guidelines, 2015. Collection method: clinical testing. Allele origin: germline.

Mayo Clinic Laboratories, Mayo Clinic
Classification: Benign. Last evaluated: 2024-03-15. Review status: criteria provided, single submitter. Criteria: ACMG Guidelines, 2015. Collection method: clinical testing. Allele origin: germline. Observed: 9 variant alleles.
Comment: BS1, BS2, BP4

ARUP Laboratories, Molecular Genetics and Genomics, ARUP Laboratories
Classification: Benign. Last evaluated: 2024-01-11. Review status: criteria provided, single submitter. Criteria: ARUP Molecular Germline Variant Investigation Process 2024. Collection method: clinical testing. Allele origin: germline.

CHEO Genetics Diagnostic Laboratory, Children's Hospital of Eastern Ontario
Classification: Benign for Cardiomyopathy. Last evaluated: 2023-05-16. Review status: criteria provided, single submitter. Criteria: ACMG Guidelines, 2015. Collection method: clinical testing. Allele origin: germline.

Center for Advanced Laboratory Medicine, UC San Diego Health, University of California San Diego
Classification: Benign for Atrial fibrillation. Last evaluated: 2019-04-17. Review status: criteria provided, single submitter. Criteria: ACMG Guidelines, 2015. Collection method: clinical testing. Allele origin: germline. Affected: yes. Observed: 1 variant allele.

Women's Health and Genetics/Laboratory Corporation of America, LabCorp
Classification: Benign. Last evaluated: 2017-08-16. Review status: criteria provided, single submitter. Criteria: LabCorp Variant Classification Summary - May 2015. Collection method: clinical testing. Allele origin: germline.
Comment: Variant summary: The BAG3 c.187C>G (p.Pro63Ala) variant involves the alteration of a non-conserved nucleotide. 4/5 in silico tools predict benign outcome for this variant. This variant was found in 191/121304 control chromosomes (2 homozygotes), predominantly observed in the African subpopulation at a frequency of 0.011019 (114/10346). This frequency is about 282 times the estimated maximal expected allele frequency of a pathogenic BAG3 variant (0.0000391), suggesting this is likely a benign polymorphism found primarily in the populations of African origin. In addition, multiple clinical diagnostic laboratories/reputable databases classified this variant as benign. To our knowledge, this variant has not been reported in affected individuals via publications, nor has it been evaluated for functional impact by in vivo/vitro studies. Taken together, this variant is classified as benign.

Ambry Genetics
Classification: Benign for Cardiovascular phenotype. Last evaluated: 2015-10-20. Review status: criteria provided, single submitter. Criteria: Ambry Variant Classification Scheme 2023. Collection method: clinical testing. Allele origin: germline.

GeneDx
Classification: Benign. Last evaluated: 2015-03-03. Review status: criteria provided, single submitter. Criteria: GeneDx Variant Classification Process June 2021. Collection method: clinical testing. Allele origin: germline. Affected: yes.

Laboratory for Molecular Medicine, Mass General Brigham Personalized Medicine
Classification: Benign. Last evaluated: 2012-03-19. Review status: criteria provided, single submitter. Criteria: LMM Criteria. Collection method: clinical testing. Allele origin: germline. Observed: 4 variant alleles.
Comment: p.Pro63Ala in Exon 02 of BAG3: This variant is not expected to have clinical sig nificance because it has been identified in 1.0% (39/3738) of African American c hromosomes from a broad population by the NHLBI Exome Sequencing Project (dbSNP rs144041999).

Breakthrough Genomics
Classification: Benign. Review status: criteria provided, single submitter. Criteria: ACMG Guidelines, 2015. Collection method: not provided. Allele origin: germline. Inheritance: Autosomal dominant inheritance. Affected: yes.

PreventionGenetics, part of Exact Sciences
Classification: Benign. Review status: criteria provided, single submitter. Criteria: ACMG Guidelines, 2015. Collection method: clinical testing. Allele origin: germline.

Clinical Genetics DNA and cytogenetics Diagnostics Lab, Erasmus MC, Erasmus Medical Center
Classification: Benign. Review status: no assertion criteria provided. Collection method: clinical testing. Allele origin: germline. Affected: yes. Study: VKGL Data-share Consensus. Not counted in ClinVar's aggregate classification.

Clinical Genetics, Academic Medical Center
Classification: Benign. Review status: no assertion criteria provided. Collection method: clinical testing. Allele origin: germline. Affected: yes. Study: VKGL Data-share Consensus. Not counted in ClinVar's aggregate classification.

Genome Diagnostics Laboratory, University Medical Center Utrecht
Classification: Benign. Review status: no assertion criteria provided. Collection method: clinical testing. Allele origin: germline. Affected: yes. Study: VKGL Data-share Consensus. Not counted in ClinVar's aggregate classification.

Joint Genome Diagnostic Labs from Nijmegen and Maastricht, Radboudumc and MUMC+
Classification: Benign. Review status: no assertion criteria provided. Collection method: clinical testing. Allele origin: germline. Affected: yes. Study: VKGL Data-share Consensus. Not counted in ClinVar's aggregate classification.

Literature cited by the submitters: PubMed 30140897 (cited by Mayo Clinic Laboratories, Mayo Clinic); PubMed 32956817 (cited by Mayo Clinic Laboratories, Mayo Clinic).